The following is an entry in ClinVar:

ClinVar aggregate classification (germline): Uncertain significance (1 of 4 stars; one submission).

Allele frequency attached by ClinVar (database versions not stated): TOPMed 0.00001.

Submission:

Labcorp Genetics (formerly Invitae), Labcorp
Classification: Uncertain significance. Last evaluated: 2022-08-13. Review status: criteria provided, single submitter. Criteria: Invitae Variant Classification Sherloc (09022015). Collection method: clinical testing. Allele origin: germline.
Comment: In summary, the available evidence is currently insufficient to determine the role of this variant in disease. Therefore, it has been classified as a Variant of Uncertain Significance. Algorithms developed to predict the effect of missense changes on protein structure and function (SIFT, PolyPhen-2, Align-GVGD) all suggest that this variant is likely to be tolerated. This variant has not been reported in the literature in individuals affected with AMHR2-related conditions. This variant is not present in population databases (gnomAD no frequency). This sequence change replaces glutamine, which is neutral and polar, with glutamic acid, which is acidic and polar, at codon 69 of the AMHR2 protein (p.Gln69Glu).

NM_020547.3(AMHR2):c.205C>G (p.Gln69Glu)

Gene: AMHR2 (anti-Mullerian hormone receptor type 2; plus strand). Cytogenetic location: 12q13.13.
Variant type: single nucleotide variant.
Coding change: c.205C>G on transcript NM_020547.3 (MANE Select); coding-DNA position 205, C replaced by G.
Protein change: p.Gln69Glu; replaces glutamine 69 with glutamic acid.
Molecular consequence: missense variant.
Genome position (GRCh38, 1-based): chr12:53,424,443, C>G. VCF-style: chr12-53424443-C-G. GRCh37 (hg19) VCF-style: chr12-53818227-C-G.
Other names: c.205C>G, p.Gln69Glu (NM_001164690.2, NM_001164691.2); short protein forms Q69E.
Identifiers: ClinVar variation 1716413 (VCV001716413.5), dbSNP rs115737603, ClinGen allele CA385091346.